The following is an entry in ClinVar:

NM_020937.4(FANCM):c.1718G>A (p.Arg573Gln)

Gene: FANCM (FA complementation group M; plus strand). Cytogenetic location: 14q21.2.
Variant type: single nucleotide variant.
Coding change: c.1718G>A on transcript NM_020937.4 (MANE Select); coding-DNA position 1718, G replaced by A.
Protein change: p.Arg573Gln; replaces arginine 573 with glutamine.
Molecular consequence: missense variant.
Genome position (GRCh38, 1-based): chr14:45,164,495, G>A. VCF-style: chr14-45164495-G-A. GRCh37 (hg19) VCF-style: chr14-45633698-G-A.
Other names: c.1640G>A, p.Arg547Gln (NM_001308133.2); c.1718G>A, p.Arg573Gln (NM_001308134.2); c.1718G>A (NM_020937.3); short protein forms R573Q, R547Q.
Identifiers: ClinVar variation 2037655 (VCV002037655.5), dbSNP rs550238354, ClinGen allele CA7169133.

ClinVar aggregate classification (germline): Uncertain significance. Review status: criteria provided, multiple submitters, no conflicts (2 of 4 stars). 2 submissions from 2 submitters: Uncertain significance (2). Last evaluated 2025-06-01.

Conditions:
Fanconi anemia (FA). Also called: Fanconi's anemia. Identifiers: Orphanet 84, MedGen C0015625, MeSH D005199, MONDO:0019391.

Allele frequency attached by ClinVar (database versions not stated): gnomAD 0.00001; gnomAD exomes 0.00001; TOPMed 0.00001; ExAC 0.00006; 1000 Genomes Project 30x 0.00016; 1000 Genomes Project 0.00020.
gnomAD v4.1: 15 of 1,613,672 alleles (0.00093%); highest among the groups gnomAD compares: East Asian, 0.0045%; no homozygotes.

Submissions (2):

Labcorp Genetics (formerly Invitae), Labcorp
Classification: Uncertain significance for Fanconi anemia. Last evaluated: 2025-06-01. Review status: criteria provided, single submitter. Criteria: Invitae Variant Classification Sherloc (09022015). Collection method: clinical testing. Allele origin: germline.
Comment: This sequence change replaces arginine, which is basic and polar, with glutamine, which is neutral and polar, at codon 573 of the FANCM protein (p.Arg573Gln). This variant is present in population databases (rs550238354, gnomAD 0.03%). This missense change has been observed in individual(s) with breast cancer (PMID: 36707629). ClinVar contains an entry for this variant (Variation ID: 2037655). An algorithm developed to predict the effect of missense changes on protein structure and function (PolyPhen-2) suggests that this variant is likely to be disruptive. In summary, the available evidence is currently insufficient to determine the role of this variant in disease. Therefore, it has been classified as a Variant of Uncertain Significance.

Quest Diagnostics Nichols Institute San Juan Capistrano
Classification: Uncertain significance. Last evaluated: 2025-01-13. Review status: criteria provided, single submitter. Criteria: Quest Diagnostics criteria. Collection method: clinical testing. Allele origin: unknown.
Comment: The FANCM c.1718G>A (p.Arg573Gln) variant has been reported in the published literature in individuals with breast cancer (PMIDs: 36707629 (2023), 33471991 (2021), see also LOVD), as well as in reportedly healthy individuals (PMID: 37349538 (2023), LOVD). The frequency of this variant in the general population (Genome Aggregation Database) is uninformative in the assessment of its pathogenicity. Analysis of this variant using bioinformatics tools for the prediction of the effect of amino acid changes on protein structure and function yielded predictions that this variant is damaging. Based on the available information, we are unable to determine the clinical significance of this variant.

Literature cited by the submitters: PubMed 36707629 (cited by Labcorp Genetics (formerly Invitae), Labcorp and Quest Diagnostics Nichols Institute San Juan Capistrano); PubMed 33471991 (cited by Quest Diagnostics Nichols Institute San Juan Capistrano); PubMed 37349538 (cited by Quest Diagnostics Nichols Institute San Juan Capistrano).